The following is an entry in ClinVar:

NM_001267727.2(ARSG):c.290G>A (p.Gly97Asp)

Gene: ARSG (arylsulfatase G; plus strand). Cytogenetic location: 17q24.2.
Variant type: single nucleotide variant.
Coding change: c.290G>A on transcript NM_001267727.2 (MANE Select); coding-DNA position 290, G replaced by A.
Protein change: p.Gly97Asp; replaces glycine 97 with aspartic acid.
Molecular consequence: missense variant.
Genome position (GRCh38, 1-based): chr17:68,343,675, G>A. VCF-style: chr17-68343675-G-A. GRCh37 (hg19) VCF-style: chr17-66339816-G-A.
Other names: c.290G>A, p.Gly97Asp (NM_001352899.2, NM_001352900.2, NM_001352901.2 and 9 more transcripts); short protein forms G97D.
Identifiers: ClinVar variation 1386235 (VCV001386235.4), dbSNP rs748352893, ClinGen allele CA8728157.

ClinVar aggregate classification (germline): Uncertain significance. Review status: criteria provided, multiple submitters, no conflicts (2 of 4 stars). 2 submissions from 2 submitters: Uncertain significance (2). Last evaluated 2022-09-08.

Allele frequency attached by ClinVar (database versions not stated): gnomAD exomes below 0.00001 and 0.00001; ExAC 0.00001; gnomAD 0.00001; TOPMed 0.00001.
gnomAD v4.1: 20 of 1,614,022 alleles (0.0012%); highest among the groups gnomAD compares: Non-Finnish European, 0.0014%; no homozygotes.

Submissions (2):

Labcorp Genetics (formerly Invitae), Labcorp
Classification: Uncertain significance. Last evaluated: 2022-09-08. Review status: criteria provided, single submitter. Criteria: Invitae Variant Classification Sherloc (09022015). Collection method: clinical testing. Allele origin: germline.
Comment: This sequence change replaces glycine, which is neutral and non-polar, with aspartic acid, which is acidic and polar, at codon 97 of the ARSG protein (p.Gly97Asp). This variant is present in population databases (rs748352893, gnomAD 0.004%). This variant has not been reported in the literature in individuals affected with ARSG-related conditions. ClinVar contains an entry for this variant (Variation ID: 1386235). Advanced modeling of protein sequence and biophysical properties (such as structural, functional, and spatial information, amino acid conservation, physicochemical variation, residue mobility, and thermodynamic stability) performed at Invitae indicates that this missense variant is expected to disrupt ARSG protein function. In summary, the available evidence is currently insufficient to determine the role of this variant in disease. Therefore, it has been classified as a Variant of Uncertain Significance.

Blueprint Genetics
Classification: Uncertain significance. Last evaluated: 2022-02-07. Review status: criteria provided, single submitter. Criteria: ACMG Guidelines, 2015. Collection method: clinical testing. Allele origin: germline.